The following is an entry in ClinVar:

NM_000140.5(FECH):c.1136A>G (p.Lys379Arg)

Gene: FECH (ferrochelatase; minus strand). Cytogenetic location: 18q21.31.
Variant type: single nucleotide variant.
Coding change: c.1136A>G on transcript NM_000140.5 (MANE Select); coding-DNA position 1136, A replaced by G.
Protein change: p.Lys379Arg; replaces lysine 379 with arginine.
Molecular consequence: missense variant. On other transcripts: intron variant (1).
Genome position (GRCh38, 1-based): chr18:57,551,316, T>C on the plus strand (A>G on the coding strand, the complement: FECH is on the minus strand). VCF-style: chr18-57551316-T-C. GRCh37 (hg19) VCF-style: chr18-55218548-T-C.
Other names: c.1154A>G, p.Lys385Arg (NM_001012515.4); c.1037A>G, p.Lys346Arg (NM_001371094.1); c.920A>G, p.Lys307Arg (NM_001371095.1); c.1078-470A>G (NM_001374778.1); short protein forms K307R, K379R, K346R, K385R.
Identifiers: ClinVar variation 2763632 (VCV002763632.3), dbSNP rs2511512445, ClinGen allele CA402539125.

ClinVar aggregate classification (germline): Uncertain significance (1 of 4 stars; one submission).

Submission:

Labcorp Genetics (formerly Invitae), Labcorp
Classification: Uncertain significance. Last evaluated: 2023-09-27. Review status: criteria provided, single submitter. Criteria: Invitae Variant Classification Sherloc (09022015). Collection method: clinical testing. Allele origin: germline.
Comment: This variant has not been reported in the literature in individuals affected with FECH-related conditions. An algorithm developed to predict the effect of missense changes on protein structure and function (PolyPhen-2) suggests that this variant is likely to be tolerated. This variant is not present in population databases (gnomAD no frequency). In summary, the available evidence is currently insufficient to determine the role of this variant in disease. Therefore, it has been classified as a Variant of Uncertain Significance. Algorithms developed to predict the effect of sequence changes on RNA splicing suggest that this variant may disrupt the consensus splice site. This sequence change replaces lysine, which is basic and polar, with arginine, which is basic and polar, at codon 379 of the FECH protein (p.Lys379Arg).